The following is an entry in ClinVar:

ClinVar aggregate classification (germline): Uncertain significance (1 of 4 stars; one submission).

Conditions:
Polyglandular autoimmune syndrome, type 1 (APS1). Also called: AUTOIMMUNE POLYENDOCRINE SYNDROME, TYPE I, WITH OR WITHOUT REVERSIBLE METAPHYSEAL DYSPLASIA; Autoimmune polyendocrinopathy syndrome, type I; PGA I; Autoimmune polyendocrine syndrome type 1; APS I; Autoimmune polyendocrinopathy syndrome , type I, with or without reversible metaphyseal dysplasia. Identifiers: Orphanet 3453, MedGen C0085859, MONDO:0009411, OMIM 240300.

Submission:

Myriad Genetics, Inc.
Classification: Uncertain significance for Polyglandular autoimmune syndrome, type 1. Last evaluated: 2025-09-22. Review status: criteria provided, single submitter. Criteria: Myriad Autosomal Dominant, Autosomal Recessive and X-Linked Classification Criteria (2023). Collection method: clinical testing. Allele origin: unknown.
Comment: NM_000383.3(AIRE):c.1160_1165dup6(G387_M388dup) is an in-frame insertion classified as a variant of uncertain significance in the context of autoimmune polyglandular syndrome type 1. G387_M388dup has not been observed in cases with relevant disease. Relevant functional assessments of this variant are not available in the literature. G387_M388dup has not been observed in referenced population frequency databases. In summary, there is insufficient evidence to classify NM_000383.3(AIRE):c.1160_1165dup6(G387_M388dup) as pathogenic or benign. Please note: this variant was assessed in the context of healthy population screening.

NM_000383.4(AIRE):c.1160_1165dup (p.Met388_Asp389insGlyMet)

Gene: AIRE (autoimmune regulator; plus strand). Cytogenetic location: 21q22.3.
Variant type: Duplication.
Coding change: c.1160_1165dup on transcript NM_000383.4 (MANE Select); coding-DNA positions 1160 to 1165, 6 bases duplicated (GCATGG; older notation c.1160_1165dupGCATGG).
Protein change: p.Met388_Asp389insGlyMet.
Molecular consequence: inframe insertion.
Genome position (GRCh38, 1-based): chr21:44,293,057-44,293,062, GCATGG duplicated; duplicating any 6 consecutive bases within chr21:44,293,056-44,293,062 gives the same sequence; the c. name uses the placement nearest the transcript's 3' end. VCF-style (leftmost placement, unchanged base first): chr21-44293055-C-CGGCATG. GRCh37 (hg19) VCF-style: chr21-45712938-C-CGGCATG.
Identifiers: ClinVar variation 5003634 (VCV005003634.1).